The following is an entry in ClinVar:

ClinVar aggregate classification (germline): Conflicting classifications of pathogenicity. Review status: criteria provided, conflicting classifications (1 of 4 stars). 3 submissions from 3 submitters: Uncertain significance (1); Likely benign (1). 1 of the submissions does not count toward it. Last evaluated 2026-01-05.

Conditions:
Rubinstein-Taybi syndrome (RSTS). Identifiers: Orphanet 783, MedGen C0035934, MONDO:0019188.
CREBBP-related disorder. Also called: CREBBP-related condition; CREBBP-related disorders.

Allele frequency attached by ClinVar (database versions not stated): gnomAD exomes below 0.00001; ExAC 0.00001.
gnomAD v4.1: 2 of 1,612,846 alleles (0.00012%); highest among the groups gnomAD compares: Admixed American, 0.0033%; no homozygotes.

Submissions (3):

Labcorp Genetics (formerly Invitae), Labcorp
Classification: Likely benign for Rubinstein-Taybi syndrome. Last evaluated: 2026-01-05. Review status: criteria provided, single submitter. Criteria: Invitae Variant Classification Sherloc (09022015). Collection method: clinical testing. Allele origin: germline.

GeneDx
Classification: Uncertain significance. Last evaluated: 2024-11-19. Review status: criteria provided, single submitter. Criteria: GeneDx Variant Classification Process June 2021. Collection method: clinical testing. Allele origin: germline. Affected: yes.
Comment: Has not been previously published as pathogenic or benign to our knowledge; In silico analysis suggests this variant may impact gene splicing. In the absence of RNA/functional studies, the actual effect of this sequence change is unknown.

PreventionGenetics, part of Exact Sciences
Classification: Uncertain significance for CREBBP-related condition. Last evaluated: 2024-03-21. Review status: no assertion criteria provided. Collection method: clinical testing. Allele origin: germline. Not counted in ClinVar's aggregate classification.
Comment: The CREBBP c.3615G>A variant is not predicted to result in an amino acid change (p.=). This variant is predicted to interfere with splicing. To our knowledge, this variant has not been reported in the literature. This variant is reported in 0.0058% of alleles in individuals of Latino descent in gnomAD. At this time, the clinical significance of this variant is uncertain due to the absence of conclusive functional and genetic evidence.

NM_004380.3(CREBBP):c.3615G>A (p.Glu1205=)

Gene: CREBBP (CREB binding lysine acetyltransferase; minus strand). Cytogenetic location: 16p13.3.
Variant type: single nucleotide variant.
Coding change: c.3615G>A on transcript NM_004380.3 (MANE Select); coding-DNA position 3615, G replaced by A.
Protein change: p.Glu1205=; no amino-acid change (glutamic acid 1205 retained).
Molecular consequence: synonymous variant.
Genome position (GRCh38, 1-based): chr16:3,757,371, C>T on the plus strand (G>A on the coding strand, the complement: CREBBP is on the minus strand). VCF-style: chr16-3757371-C-T. GRCh37 (hg19) VCF-style: chr16-3807372-C-T.
Other names: c.3501G>A, p.Glu1167= (NM_001079846.1).
Identifiers: ClinVar variation 2629182 (VCV002629182.6), dbSNP rs759826090, ClinGen allele CA7869779.